The following is an entry in ClinVar:

ClinVar aggregate classification (germline): Benign/Likely benign. Review status: criteria provided, multiple submitters, no conflicts (2 of 4 stars). 8 submissions from 8 submitters: Benign (4); Likely benign (4). Last evaluated 2026-07-01.

Conditions:
RYR1-related disorder. Also called: RYR1-related disorders; RYR1-related condition. Identifiers: MedGen CN239331.
Malignant hyperthermia, susceptibility to, 1 (MHS1). Also called: Malignant hyperthermia suceptibility 1; Anesthesia related hyperthermia; Malignant hyperpyrexia; Fulminating hyperpyrexia; Pharmacogenic myopathy; RYR1-Related Malignant Hyperthermia Susceptibility. Identifiers: Orphanet 423, MedGen C2930980, MONDO:0007783, OMIM 145600.

Allele frequency attached by ClinVar (database versions not stated): gnomAD exomes 0.00041; ExAC 0.00057; gnomAD 0.00161 and 0.00169; TOPMed 0.00178; ESP Exome Variant Server 0.00208; 1000 Genomes Project 0.00240; 1000 Genomes Project 30x 0.00250.
gnomAD v4.1: 520 of 1,613,982 alleles (0.032%); highest among the groups gnomAD compares: African/African-American, 0.54%; 2 homozygotes.

Submissions (8):

CeGaT Center for Human Genetics Tuebingen
Classification: Likely benign. Last evaluated: 2026-07-01. Review status: criteria provided, single submitter. Criteria: CeGaT Center For Human Genetics Tuebingen Variant Classification Criteria Version 2. Collection method: clinical testing. Allele origin: germline. Affected: yes. Observed: 2 variant alleles.
Comment: RYR1: BP4, BP7

Labcorp Genetics (formerly Invitae), Labcorp
Classification: Benign for RYR1-related disorder. Last evaluated: 2026-01-28. Review status: criteria provided, single submitter. Criteria: Invitae Variant Classification Sherloc (09022015). Collection method: clinical testing. Allele origin: germline.

ARUP Laboratories, Molecular Genetics and Genomics, ARUP Laboratories
Classification: Likely benign. Last evaluated: 2025-01-10. Review status: criteria provided, single submitter. Criteria: ARUP Molecular Germline Variant Investigation Process 2024. Collection method: clinical testing. Allele origin: germline.

All of Us Research Program, National Institutes of Health
Classification: Benign for Malignant hyperthermia, susceptibility to, 1. Last evaluated: 2024-02-05. Review status: criteria provided, single submitter. Criteria: ACMG Guidelines, 2015. Collection method: clinical testing. Allele origin: germline. Inheritance: Autosomal dominant inheritance. Observed: 108 variant alleles, 108 heterozygotes.
Comment: This study involves interpretation of variants in research participants for the purpose of population health screening. Participant phenotype was not available at the time of variant classification. Additional details can be found in publication PMID: 35346344, PMCID: PMC8962531

Blueprint Genetics
Classification: Likely benign. Last evaluated: 2023-05-12. Review status: criteria provided, single submitter. Criteria: ACMG Guidelines, 2015. Collection method: clinical testing. Allele origin: germline.

Color Diagnostics, LLC DBA Color Health
Classification: Benign for Malignant hyperthermia, susceptibility to, 1. Last evaluated: 2022-09-20. Review status: criteria provided, single submitter. Criteria: ACMG Guidelines, 2015. Collection method: clinical testing. Allele origin: germline.

GeneDx
Classification: Likely benign. Last evaluated: 2021-01-28. Review status: criteria provided, single submitter. Criteria: GeneDx Variant Classification Process June 2021. Collection method: clinical testing. Allele origin: germline. Affected: yes.
Comment: This variant is associated with the following publications: (PMID: 28952030)

PreventionGenetics, part of Exact Sciences
Classification: Benign. Last evaluated: 2017-01-24. Review status: criteria provided, single submitter. Criteria: ACMG Guidelines, 2015. Collection method: clinical testing. Allele origin: germline.

NM_000540.3(RYR1):c.6612C>T (p.His2204=)

Gene: RYR1 (ryanodine receptor 1; plus strand). Cytogenetic location: 19q13.2.
Variant type: single nucleotide variant.
Coding change: c.6612C>T on transcript NM_000540.3 (MANE Select); coding-DNA position 6612, C replaced by T.
Protein change: p.His2204=; no amino-acid change (histidine 2204 retained).
Molecular consequence: synonymous variant.
Genome position (GRCh38, 1-based): chr19:38,496,278, C>T. VCF-style: chr19-38496278-C-T. GRCh37 (hg19) VCF-style: chr19-38986918-C-T.
Other names: c.6612C>T, p.His2204= (NM_001042723.2).
Identifiers: ClinVar variation 256537 (VCV000256537.25), dbSNP rs141646642, ClinGen allele CA068469.